The following is an entry in ClinVar:

ClinVar aggregate classification (germline): Uncertain significance. Review status: criteria provided, multiple submitters, no conflicts (2 of 4 stars). 3 submissions from 3 submitters: Uncertain significance (3). Last evaluated 2025-09-08.

Conditions:
Arrhythmogenic cardiomyopathy with wooly hair and keratoderma. Also called: PALMOPLANTAR KERATODERMA WITH LEFT VENTRICULAR CARDIOMYOPATHY AND WOOLLY HAIR; Carvajal syndrome; Dilated cardiomyopathy with woolly hair and keratoderma; Arrhythmogenic cardiomyopathy with woolly hair and keratoderma. Identifiers: Orphanet 65282, MedGen C1854063, MONDO:0011581, OMIM 605676.
Arrhythmogenic right ventricular dysplasia 8 (ARVD8). Also called: Arrhythmogenic Right Ventricular Dysplasia/Cardiomyopathy 8; ARRHYTHMOGENIC RIGHT VENTRICULAR DYSPLASIA, FAMILIAL, 8; ARRHYTHMOGENIC RIGHT VENTRICULAR CARDIOMYOPATHY 8. Identifiers: MedGen C1843896, MONDO:0011831, OMIM 607450.
Cardiomyopathy (CMYO). Also called: Cardiomyopathies. Identifiers: Orphanet 167848, MedGen C0878544, MONDO:0004994, HP:0001638. Inheritance: Various modes of inheritance.

Allele frequency attached by ClinVar (database versions not stated): gnomAD 0.00001; TOPMed 0.00001.
gnomAD v4.1: 18 of 1,613,972 alleles (0.0011%); highest among the groups gnomAD compares: African/African-American, 0.0027%; no homozygotes.

Submissions (3):

Labcorp Genetics (formerly Invitae), Labcorp
Classification: Uncertain significance for Arrhythmogenic cardiomyopathy with wooly hair and keratoderma; Arrhythmogenic right ventricular dysplasia 8. Last evaluated: 2025-09-08. Review status: criteria provided, single submitter. Criteria: Invitae Variant Classification Sherloc (09022015). Collection method: clinical testing. Allele origin: germline.
Comment: This sequence change replaces methionine, which is neutral and non-polar, with leucine, which is neutral and non-polar, at codon 409 of the DSP protein (p.Met409Leu). This variant is not present in population databases (gnomAD no frequency). This variant has not been reported in the literature in individuals affected with DSP-related conditions. ClinVar contains an entry for this variant (Variation ID: 405221). An algorithm developed to predict the effect of missense changes on protein structure and function (PolyPhen-2) suggests that this variant is likely to be tolerated. In summary, the available evidence is currently insufficient to determine the role of this variant in disease. Therefore, it has been classified as a Variant of Uncertain Significance.

All of Us Research Program, National Institutes of Health
Classification: Uncertain significance for Arrhythmogenic cardiomyopathy with wooly hair and keratoderma. Last evaluated: 2024-04-16. Review status: criteria provided, single submitter. Criteria: ACMG Guidelines, 2015. Collection method: clinical testing. Allele origin: germline. Inheritance: Autosomal dominant inheritance. Observed: 2 variant alleles, 2 heterozygotes.
Comment: This missense variant replaces methionine with leucine at codon 409 of the DSP protein. Computational prediction suggests that this variant may not impact protein structure and function (internally defined REVEL score threshold <= 0.5, PMID: 27666373). To our knowledge, functional studies have not been reported for this variant. This variant has not been reported in individuals affected with DSP-related disorders in the literature. This variant has not been identified in the general population by the Genome Aggregation Database (gnomAD). The available evidence is insufficient to determine the role of this variant in disease conclusively. Therefore, this variant is classified as a Variant of Uncertain Significance.

This study involves interpretation of variants in research participants for the purpose of population health screening. Participant phenotype was not available at the time of variant classification. Additional details can be found in publication PMID: 35346344, PMCID: PMC8962531

Color Diagnostics, LLC DBA Color Health
Classification: Uncertain significance for Cardiomyopathy. Last evaluated: 2024-03-11. Review status: criteria provided, single submitter. Criteria: ACMG Guidelines, 2015. Collection method: clinical testing. Allele origin: germline.
Comment: This missense variant replaces methionine with leucine at codon 409 of the DSP protein. Computational prediction suggests that this variant may not impact protein structure and function (internally defined REVEL score threshold <= 0.5, PMID: 27666373). To our knowledge, functional studies have not been reported for this variant. This variant has not been reported in individuals affected with DSP-related disorders in the literature. This variant has not been identified in the general population by the Genome Aggregation Database (gnomAD). The available evidence is insufficient to determine the role of this variant in disease conclusively. Therefore, this variant is classified as a Variant of Uncertain Significance.

NM_004415.4(DSP):c.1225A>T (p.Met409Leu)

Gene: DSP (desmoplakin; plus strand). Cytogenetic location: 6p24.3.
Variant type: single nucleotide variant.
Coding change: c.1225A>T on transcript NM_004415.4 (MANE Select); coding-DNA position 1225, A replaced by T.
Protein change: p.Met409Leu; replaces methionine 409 with leucine.
Molecular consequence: missense variant.
Genome position (GRCh38, 1-based): chr6:7,567,865, A>T. VCF-style: chr6-7567865-A-T. GRCh37 (hg19) VCF-style: chr6-7568098-A-T.
Other names: c.1225A>T (LRG_423t1); c.1225A>T, p.Met409Leu (NM_001008844.3, NM_001319034.2); short protein forms M409L.
Identifiers: ClinVar variation 405221 (VCV000405221.12), dbSNP rs890837021, ClinGen allele CA16612024.